The following is an entry in ClinVar:

NM_206933.4(USH2A):c.13482T>A (p.Tyr4494Ter)

Gene: USH2A (usherin; minus strand). Cytogenetic location: 1q41.
Variant type: single nucleotide variant.
Coding change: c.13482T>A on transcript NM_206933.4 (MANE Select); coding-DNA position 13482, T replaced by A.
Protein change: p.Tyr4494Ter; replaces tyrosine 4494 with a stop codon.
Molecular consequence: nonsense.
Genome position (GRCh38, 1-based): chr1:215,674,429, A>T on the plus strand (T>A on the coding strand, the complement: USH2A is on the minus strand). VCF-style: chr1-215674429-A-T. GRCh37 (hg19) VCF-style: chr1-215847771-A-T.
Other names: short protein forms Y4494*.
Identifiers: ClinVar variation 1726859 (VCV001726859.2), dbSNP rs2464895063, ClinGen allele CA344845058.
Genomic context (GRCh38, chr1:215,674,429, plus strand): 5'-GCTGTTGCTGGCAGTTACTGTGTAGCTATACTCCACACCTGGGGTGAGAGTAAAATCACG[A>T]TAGCGTGTTTCCAAGCCTGTATATACAATGGTTCCATCCCTCCTAAGTTCATAACTTCTG-3'

ClinVar aggregate classification (germline): Likely pathogenic (1 of 4 stars; one submission).

Conditions:
Usher syndrome type 2A. Also called: RETINAL DISEASE IN USHER SYNDROME TYPE IIA, MODIFIER OF; USHER SYNDROME, TYPE IIA. Identifiers: Orphanet 231178, Orphanet 886, MedGen C1848634, MONDO:0010169, OMIM 276901.

Submission:

Myriad Genetics, Inc.
Classification: Likely pathogenic for Usher syndrome type 2A. Last evaluated: 2022-01-02. Review status: criteria provided, single submitter. Criteria: Myriad Women's Health Autosomal Recessive and X-Linked Classification Criteria (2021). Collection method: clinical testing. Allele origin: unknown.
Comment: NM_206933.2(USH2A):c.13482T>A(Y4494*) is expected to be pathogenic in the context of USH2A-related disorders. This variant is predicted to lead to an abnormal or absent protein product due to the creation of a premature termination codon in USH2A, a gene where loss-of-function variants are known to be pathogenic. Please note: this variant was assessed in the context of healthy population screening.